The following is an entry in ClinVar:

NM_021005.4(NR2F2):c.527C>T (p.Ser176Leu)

Gene: NR2F2 (nuclear receptor subfamily 2 group F member 2; plus strand). Cytogenetic location: 15q26.2.
Variant type: single nucleotide variant.
Coding change: c.527C>T on transcript NM_021005.4 (MANE Select); coding-DNA position 527, C replaced by T.
Protein change: p.Ser176Leu; replaces serine 176 with leucine.
Molecular consequence: missense variant.
Genome position (GRCh38, 1-based): chr15:96,334,160, C>T. VCF-style: chr15-96334160-C-T. GRCh37 (hg19) VCF-style: chr15-96877389-C-T.
Other names: c.128C>T, p.Ser43Leu (NM_001145155.2); c.68C>T, p.Ser23Leu (NM_001145156.1, NM_001145157.2); short protein forms S176L, S23L, S43L.
Identifiers: ClinVar variation 1338920 (VCV001338920.2), dbSNP rs2141169017, ClinGen allele CA393930593.
Genomic context (GRCh38, chr15:96,334,160, plus strand): 5'-CGACCCAGCCGACCCACGGGCAGTTCGCGCTGACCAACGGGGATCCCCTCAACTGCCACT[C>T]GTACCTGTCCGGATATATTTCCCTGCTGTTGCGCGCGGAGCCCTATCCCACGTCGCGCTT-3'
Protein context (NP_066285.1, residues 166-186): LTNGDPLNCH[Ser176Leu]YLSGYISLLL

ClinVar aggregate classification (germline): Uncertain significance (1 of 4 stars; one submission).

Submission:

GeneDx
Classification: Uncertain significance. Last evaluated: 2022-01-28. Review status: criteria provided, single submitter. Criteria: GeneDx Variant Classification Process June 2021. Collection method: clinical testing. Allele origin: germline. Affected: yes.
Comment: Not observed at significant frequency in large population cohorts (gnomAD); In silico analysis supports that this missense variant has a deleterious effect on protein structure/function; Has not been previously published as pathogenic or benign to our knowledge